The following is an entry in ClinVar:

ClinVar aggregate classification (germline): Pathogenic (1 of 4 stars; one submission).

Submission:

GeneDx
Classification: Pathogenic. Last evaluated: 2026-05-01. Review status: criteria provided, single submitter. Criteria: GeneDx Variant Classification Process June 2021. Collection method: clinical testing. Allele origin: germline.
Comment: Frameshift variant predicted to result in abnormal protein length as the last 75 amino acid(s) are replaced with 9 different amino acid(s); Not observed at significant frequency in large population cohorts (gnomAD); Has not been previously published as pathogenic or benign to our knowledge

NM_021224.6(ZNF462):c.7295_7296del (p.His2432fs)

Genes: ZNF462 (zinc finger protein 462; plus strand), LOC340512 (uncharacterized LOC340512; minus strand). Cytogenetic location: 9q31.2.
Variant type: Deletion.
Coding change: c.7295_7296del on transcript NM_021224.6 (MANE Select); coding-DNA positions 7295 to 7296, 2 bases deleted (AT; older notation c.7295_7296delAT).
Protein change: p.His2432fs; shifts the reading frame from histidine 2432.
Molecular consequence: frameshift variant.
Genome position (GRCh38, 1-based): chr9:107,009,650-107,009,651, AT deleted. VCF-style (leftmost placement, unchanged base first): chr9-107009649-CAT-C. GRCh37 (hg19) VCF-style: chr9-109771930-CAT-C.
Other names: c.4700_4701del, p.His1567fs (NM_001347997.2); short protein forms H1567fs, H2432fs.
Identifiers: ClinVar variation 4074380 (VCV004074380.2).